The following is an entry in ClinVar:

NM_000037.4(ANK1):c.728T>G (p.Leu243Arg)

Gene: ANK1 (ankyrin 1; minus strand). Cytogenetic location: 8p11.21.
Variant type: single nucleotide variant.
Coding change: c.728T>G on transcript NM_000037.4 (MANE Select); coding-DNA position 728, T replaced by G.
Protein change: p.Leu243Arg; replaces leucine 243 with arginine.
Molecular consequence: missense variant.
Genome position (GRCh38, 1-based): chr8:41,723,617, A>C on the plus strand (T>G on the coding strand, the complement: ANK1 is on the minus strand). VCF-style: chr8-41723617-A-C. GRCh37 (hg19) VCF-style: chr8-41581135-A-C.
Other names: p.Leu243Arg; c.827T>G, p.Leu276Arg (NM_001142446.2); c.728T>G, p.Leu243Arg (NM_020475.3, NM_020476.3, NM_020477.3); short protein forms L243R, L276R.
Identifiers: ClinVar variation 3379817 (VCV003379817.1).

ClinVar aggregate classification (germline): Uncertain significance (1 of 4 stars; one submission).

Submission:

Mayo Clinic Laboratories, Mayo Clinic
Classification: Uncertain significance. Last evaluated: 2024-03-21. Review status: criteria provided, single submitter. Criteria: ACMG Guidelines, 2015. Collection method: clinical testing. Allele origin: germline. Observed: 1 variant allele.
Comment: PP3, PM2_moderate

Literature cited by the submitters: PubMed 33543123.